The following is an entry in ClinVar:

NM_014028.4(OSTM1):c.*1038A>G

Gene: OSTM1 (osteoclastogenesis associated transmembrane protein 1; minus strand). Cytogenetic location: 6q21.
Variant type: single nucleotide variant.
Coding change: c.*1038A>G on transcript NM_014028.4 (MANE Select); 1038 bases downstream of the stop codon, A replaced by G.
Molecular consequence: 3 prime UTR variant.
Genome position (GRCh38, 1-based): chr6:108,043,747, T>C on the plus strand (A>G on the coding strand, the complement: OSTM1 is on the minus strand). VCF-style: chr6-108043747-T-C. GRCh37 (hg19) VCF-style: chr6-108364951-T-C.
Identifiers: ClinVar variation 354969 (VCV000354969.5), dbSNP rs1064346, ClinGen allele CA10622713.

ClinVar aggregate classification (germline): Benign (1 of 4 stars; one submission).

Conditions:
Autosomal recessive osteopetrosis 5. Identifiers: Orphanet 85179, MedGen C1968603, MONDO:0009817, OMIM 259720.

Allele frequency attached by ClinVar (database versions not stated): 1000 Genomes Project 30x 0.21705; 1000 Genomes Project 0.21885; TOPMed 0.24274; gnomAD 0.24292 and 0.24805.

Submission:

Illumina Laboratory Services, Illumina
Classification: Benign for Autosomal recessive osteopetrosis 5. Last evaluated: 2018-01-13. Review status: criteria provided, single submitter. Criteria: ICSL Variant Classification Criteria 13 December 2019. Collection method: clinical testing. Allele origin: germline.
Comment: This variant was observed in the ICSL laboratory as part of a predisposition screen in an ostensibly healthy population. It had not been previously curated by ICSL or reported in the Human Gene Mutation Database (HGMD: prior to June 1st, 2018), and was therefore a candidate for classification through an automated scoring system. Utilizing variant allele frequency, disease prevalence and penetrance estimates, and inheritance mode, an automated score was calculated to assess if this variant is too frequent to cause the disease. Based on the score and internal cut-off values, a variant classified as benign is not then subjected to further curation. The score for this variant resulted in a classification of benign for this disease.